The following is an entry in ClinVar:

ClinVar aggregate classification (germline): Uncertain significance. Review status: criteria provided, multiple submitters, no conflicts (2 of 4 stars). 2 submissions from 2 submitters: Uncertain significance (2). Last evaluated 2026-01-22.

Conditions:
Inborn genetic diseases. Identifiers: MedGen C0950123, MeSH D030342.

Allele frequency attached by ClinVar (database versions not stated): TOPMed 0.00008; gnomAD exomes 0.00011 and 0.00018; gnomAD 0.00012 and 0.00021; ESP Exome Variant Server 0.00015; 1000 Genomes Project 30x 0.00016; ExAC 0.00018; 1000 Genomes Project 0.00020.
gnomAD v4.1: 201 of 1,613,494 alleles (0.012%); highest among the groups gnomAD compares: South Asian, 0.13%; 2 homozygotes.

Submissions (2):

Labcorp Genetics (formerly Invitae), Labcorp
Classification: Uncertain significance. Last evaluated: 2026-01-22. Review status: criteria provided, single submitter. Criteria: Invitae Variant Classification Sherloc (09022015). Collection method: clinical testing. Allele origin: germline.
Comment: This sequence change replaces arginine, which is basic and polar, with histidine, which is basic and polar, at codon 108 of the C6 protein (p.Arg108His). This variant is present in population databases (rs200213547, gnomAD 0.1%). This variant has not been reported in the literature in individuals affected with C6-related conditions. ClinVar contains an entry for this variant (Variation ID: 1419194). An algorithm developed to predict the effect of missense changes on protein structure and function outputs the following: PolyPhen-2: "Benign". The histidine amino acid residue is found in multiple mammalian species, which suggests that this missense change does not adversely affect protein function. In summary, the available evidence is currently insufficient to determine the role of this variant in disease. Therefore, it has been classified as a Variant of Uncertain Significance.

Ambry Genetics
Classification: Uncertain significance for Inborn genetic diseases. Last evaluated: 2024-03-19. Review status: criteria provided, single submitter. Criteria: Ambry Variant Classification Scheme 2023. Collection method: clinical testing. Allele origin: germline.

NM_000065.5(C6):c.323G>A (p.Arg108His)

Gene: C6 (complement C6; minus strand). Cytogenetic location: 5p13.1.
Variant type: single nucleotide variant.
Coding change: c.323G>A on transcript NM_000065.5 (MANE Select); coding-DNA position 323, G replaced by A.
Protein change: p.Arg108His; replaces arginine 108 with histidine.
Molecular consequence: missense variant.
Genome position (GRCh38, 1-based): chr5:41,199,890, C>T on the plus strand (G>A on the coding strand, the complement: C6 is on the minus strand). VCF-style: chr5-41199890-C-T. GRCh37 (hg19) VCF-style: chr5-41199992-C-T.
Other names: c.323G>A (NM_000065.2); c.323G>A, p.Arg108His (NM_001115131.4); short protein forms R108H.
Identifiers: ClinVar variation 1419194 (VCV001419194.7), dbSNP rs200213547, ClinGen allele CA3252827.